The following is an entry in ClinVar:

ClinVar aggregate classification (germline): Pathogenic (1 of 4 stars; one submission).

Conditions:
Thrombophilia, X-linked, due to factor 9 defect. Identifiers: MedGen C2749016, MONDO:0010432, OMIM 300807.
Hereditary factor IX deficiency disease (HEMB). Also called: Christmas Disease; F9 DEFICIENCY; FACTOR IX DEFICIENCY; PLASMA THROMBOPLASTIN COMPONENT DEFICIENCY; Hemophilia B. Identifiers: Orphanet 98879, MedGen C0008533, MeSH D002836, MONDO:0010604, OMIM 306900.

Submission:

Labcorp Genetics (formerly Invitae), Labcorp
Classification: Pathogenic for Thrombophilia, X-linked, due to factor 9 defect; Hereditary factor IX deficiency disease. Last evaluated: 2024-12-12. Review status: criteria provided, single submitter. Criteria: Invitae Variant Classification Sherloc (09022015). Collection method: clinical testing. Allele origin: germline.
Comment: This sequence change creates a premature translational stop signal (p.Tyr47*) in the F9 gene. It is expected to result in an absent or disrupted protein product. Loss-of-function variants in F9 are known to be pathogenic (PMID: 20301668). This variant is not present in population databases (gnomAD no frequency). This premature translational stop signal has been observed in individual(s) with hemophilia B (PMID: 28752769, 35770352). For these reasons, this variant has been classified as Pathogenic.

Literature cited by the submitters: PubMed 20301668; PubMed 28752769; PubMed 35770352.

NM_000133.4(F9):c.141_151del (p.Tyr47_Lys51delinsTer)

Gene: F9 (coagulation factor IX; plus strand). Cytogenetic location: Xq27.1.
Variant type: Deletion.
Coding change: c.141_151del on transcript NM_000133.4 (MANE Select); coding-DNA positions 141 to 151, 11 bases deleted (TAATTCAGGTA).
Protein change: p.Tyr47_Lys51delinsTer.
Molecular consequence: nonsense.
Genome position (GRCh38, 1-based): chrX:139,537,062-139,537,072, TAATTCAGGTA deleted; deleting any 11 consecutive bases within chrX:139,537,057-139,537,072 gives the same sequence; the c. name uses the placement nearest the transcript's 3' end. VCF-style (leftmost placement, unchanged base first): chrX-139537056-GAGGTATAATTC-G. GRCh37 (hg19) VCF-style: chrX-138619215-GAGGTATAATTC-G.
Other names: c.141_151del, p.Tyr47_Lys51delinsTer (NM_001313913.2).
Identifiers: ClinVar variation 3760031 (VCV003760031.2).